The following is an entry in ClinVar:

ClinVar aggregate classification (germline): Uncertain significance (1 of 4 stars; one submission).

Conditions:
Familial thoracic aortic aneurysm and aortic dissection (TAAD). Also called: Thoracic aortic aneurysms and dissections. Identifiers: Orphanet 91387, MedGen C4707243, MONDO:0019625.

gnomAD v4.1: 6 of 1,614,046 alleles (0.00037%); highest among the groups gnomAD compares: Non-Finnish European, 0.00042%; no homozygotes.

Submission:

Color Diagnostics, LLC DBA Color Health
Classification: Uncertain significance for Familial thoracic aortic aneurysm and aortic dissection. Last evaluated: 2025-04-28. Review status: criteria provided, single submitter. Criteria: ACMG Guidelines, 2015. Collection method: clinical testing. Allele origin: germline.
Comment: This missense variant replaces isoleucine with methionine at codon 138 of the MYH11 protein. Computational prediction is inconclusive regarding the impact of this variant on protein structure and function. To our knowledge, functional studies have not been reported for this variant. This variant has not been reported in individuals affected with MYH11-related disorders in the literature. This variant has not been identified in the general population by the Genome Aggregation Database (gnomAD). The available evidence is insufficient to determine the role of this variant in disease conclusively. Therefore, this variant is classified as a Variant of Uncertain Significance.

NM_002474.3(MYH11):c.414C>G (p.Ile138Met)

Gene: MYH11 (myosin heavy chain 11; minus strand). Cytogenetic location: 16p13.11.
Variant type: single nucleotide variant.
Coding change: c.414C>G on transcript NM_002474.3 (MANE Select); coding-DNA position 414, C replaced by G.
Protein change: p.Ile138Met; replaces isoleucine 138 with methionine.
Molecular consequence: missense variant.
Genome position (GRCh38, 1-based): chr16:15,823,343, G>C on the plus strand (C>G on the coding strand, the complement: MYH11 is on the minus strand). VCF-style: chr16-15823343-G-C. GRCh37 (hg19) VCF-style: chr16-15917200-G-C.
Other names: c.414C>G, p.Ile138Met (NM_001040113.2, NM_001040114.2, NM_022844.3); short protein forms I138M.
Identifiers: ClinVar variation 4756613 (VCV004756613.1).